The following is an entry in ClinVar:

NM_001077365.2(POMT1):c.1084C>A (p.His362Asn)

Gene: POMT1 (protein O-mannosyltransferase 1; plus strand). Cytogenetic location: 9q34.13.
Variant type: single nucleotide variant.
Coding change: c.1084C>A on transcript NM_001077365.2 (MANE Select); coding-DNA position 1084, C replaced by A.
Protein change: p.His362Asn; replaces histidine 362 with asparagine.
Molecular consequence: missense variant. On other transcripts: non-coding transcript variant (10), intron variant (1).
Genome position (GRCh38, 1-based): chr9:131,513,240, C>A. VCF-style: chr9-131513240-C-A. GRCh37 (hg19) VCF-style: chr9-134388627-C-A.
Other names: c.922C>A, p.His308Asn (NM_001077366.2, NM_001353194.2); c.1084C>A, p.His362Asn (NM_001136113.2, NM_001374690.1); c.733C>A, p.His245Asn (NM_001136114.2, NM_001353195.2, NM_001374691.1 and 1 more transcripts); c.1150C>A, p.His384Asn (NM_001353193.2, NM_007171.4); c.994C>A, p.His332Asn (NM_001353196.2); c.988C>A, p.His330Asn (NM_001353197.2, NM_001353198.2); c.799C>A, p.His267Asn (NM_001353199.2); c.628C>A, p.His210Asn (NM_001353200.2); and 3 more; short protein forms H384N, H210N, H308N, H330N, H267N, H245N, H332N, H362N.
Identifiers: ClinVar variation 523495 (VCV000523495.13), dbSNP rs141229412, ClinGen allele CA5293535.

ClinVar aggregate classification (germline): Uncertain significance. Review status: criteria provided, multiple submitters, no conflicts (2 of 4 stars). 3 submissions from 3 submitters: Uncertain significance (3). Last evaluated 2025-03-03.

Conditions:
Autosomal recessive limb-girdle muscular dystrophy type 2K. Also called: MUSCULAR DYSTROPHY-DYSTROGLYCANOPATHY (LIMB-GIRDLE), TYPE C, 1; MUSCULAR DYSTROPHY, LIMB-GIRDLE, TYPE 2K. Identifiers: Orphanet 86812, MedGen C1836373, MONDO:0012248, OMIM 609308.
Walker-Warburg congenital muscular dystrophy. Also called: Muscular dystrophy-dystroglycanopathy, type A; Walker-Warburg syndrome. Identifiers: Orphanet 899, MedGen C0265221, MONDO:0000171.
Muscular dystrophy-dystroglycanopathy (congenital with impaired intellectual development), type B, 1. Also called: Muscular dystrophy-dystroglycanopathy (congenital with intellectual disability), type B1; MUSCULAR DYSTROPHY, CONGENITAL, POMT1-RELATED. Identifiers: MedGen C5436962, MONDO:0013159, OMIM 613155.
Severe global developmental delay. Also called: Severe psychomotor retardation. Identifiers: MedGen C1837397, HP:0011344.
Seizure. Also called: Seizures. Identifiers: MedGen C0036572, HP:0001250.

Allele frequency attached by ClinVar (database versions not stated): gnomAD 0.00003; ExAC 0.00001; gnomAD exomes 0.00002; TOPMed 0.00001; ESP Exome Variant Server 0.00015.
gnomAD v4.1: 29 of 1,612,882 alleles (0.0018%); highest among the groups gnomAD compares: Non-Finnish European, 0.0025%; no homozygotes.

Submissions (3):

Labcorp Genetics (formerly Invitae), Labcorp
Classification: Uncertain significance for Muscular dystrophy-dystroglycanopathy (congenital with impaired intellectual development), type B, 1; Walker-Warburg congenital muscular dystrophy; Autosomal recessive limb-girdle muscular dystrophy type 2K. Last evaluated: 2025-03-03. Review status: criteria provided, single submitter. Criteria: Invitae Variant Classification Sherloc (09022015). Collection method: clinical testing. Allele origin: germline.
Comment: This sequence change replaces histidine, which is basic and polar, with asparagine, which is neutral and polar, at codon 384 of the POMT1 protein (p.His384Asn). This variant is present in population databases (rs141229412, gnomAD 0.006%). This variant has not been reported in the literature in individuals affected with POMT1-related conditions. ClinVar contains an entry for this variant (Variation ID: 523495). An algorithm developed to predict the effect of missense changes on protein structure and function (PolyPhen-2) suggests that this variant is likely to be disruptive. In summary, the available evidence is currently insufficient to determine the role of this variant in disease. Therefore, it has been classified as a Variant of Uncertain Significance.

Illumina Laboratory Services, Illumina
Classification: Uncertain significance for Autosomal recessive limb-girdle muscular dystrophy type 2K. Last evaluated: 2018-01-13. Review status: criteria provided, single submitter. Criteria: ICSL Variant Classification Criteria 13 December 2019. Collection method: clinical testing. Allele origin: germline.

Centre for Mendelian Genomics, University Medical Centre Ljubljana
Classification: Uncertain significance for Seizure; Severe global developmental delay. Last evaluated: 2017-01-01. Review status: criteria provided, single submitter. Criteria: ACMG Guidelines, 2015. Collection method: clinical testing. Allele origin: unknown. Affected: yes.